The following is an entry in ClinVar:

NM_001365276.2(TNXB):c.3724G>C (p.Asp1242His)

Gene: TNXB (tenascin XB; minus strand). Cytogenetic location: 6p21.33.
Variant type: single nucleotide variant.
Coding change: c.3724G>C on transcript NM_001365276.2 (MANE Select); coding-DNA position 3724, G replaced by C.
Protein change: p.Asp1242His; replaces aspartic acid 1242 with histidine.
Molecular consequence: missense variant.
Genome position (GRCh38, 1-based): chr6:32,082,048, C>G on the plus strand (G>C on the coding strand, the complement: TNXB is on the minus strand). VCF-style: chr6-32082048-C-G. GRCh37 (hg19) VCF-style: chr6-32049825-C-G.
Other names: c.4465G>C, p.Asp1489His (NM_001428335.1); c.3724G>C, p.Asp1242His (NM_019105.8); short protein forms D1242H, D1489H.
Identifiers: ClinVar variation 3459709 (VCV003459709.1).

ClinVar aggregate classification (germline): Uncertain significance (1 of 4 stars; one submission).

Conditions:
Cardiovascular phenotype. Identifiers: MedGen CN230736.

gnomAD v4.1: 3 of 1,603,522 alleles (0.00019%); highest among the groups gnomAD compares: Admixed American, 0.0051%; no homozygotes.

Submission:

Ambry Genetics
Classification: Uncertain significance for Cardiovascular phenotype. Last evaluated: 2024-12-09. Review status: criteria provided, single submitter. Criteria: Ambry Variant Classification Scheme 2023. Collection method: clinical testing. Allele origin: germline.
Comment: The p.D1242H variant (also known as c.3724G>C), located in coding exon 8 of the TNXB gene, results from a G to C substitution at nucleotide position 3724. The aspartic acid at codon 1242 is replaced by histidine, an amino acid with similar properties. This amino acid position is conserved. In addition, this alteration is predicted to be tolerated by in silico analysis. Based on the available evidence, the clinical significance of this variant remains unclear.